The following is an entry in ClinVar:

NM_201548.5(CERKL):c.62C>A (p.Ala21Glu)

Gene: CERKL (CERK like autophagy regulator; minus strand). Cytogenetic location: 2q31.3.
Variant type: single nucleotide variant.
Coding change: c.62C>A on transcript NM_201548.5 (MANE Select); coding-DNA position 62, C replaced by A.
Protein change: p.Ala21Glu; replaces alanine 21 with glutamic acid.
Molecular consequence: missense variant. On other transcripts: non-coding transcript variant (2).
Genome position (GRCh38, 1-based): chr2:181,656,945, G>T on the plus strand (C>A on the coding strand, the complement: CERKL is on the minus strand). VCF-style: chr2-181656945-G-T. GRCh37 (hg19) VCF-style: chr2-182521672-G-T.
Other names: c.62C>A, p.Ala21Glu (NM_001030311.3, NM_001030312.3, NM_001030313.3 and 3 more transcripts); short protein forms A21E.
Identifiers: ClinVar variation 2159595 (VCV002159595.1), dbSNP rs1278546232, ClinGen allele CA349745140.

ClinVar aggregate classification (germline): Uncertain significance (1 of 4 stars; one submission).

Allele frequency attached by ClinVar (database versions not stated): TOPMed below 0.00001; gnomAD 0.00001.
gnomAD v4.1: 11 of 1,586,900 alleles (0.00069%); highest among the groups gnomAD compares: South Asian, 0.0011%; no homozygotes.

Submission:

Labcorp Genetics (formerly Invitae), Labcorp
Classification: Uncertain significance. Last evaluated: 2022-07-30. Review status: criteria provided, single submitter. Criteria: Invitae Variant Classification Sherloc (09022015). Collection method: clinical testing. Allele origin: germline.
Comment: This sequence change replaces alanine, which is neutral and non-polar, with glutamic acid, which is acidic and polar, at codon 21 of the CERKL protein (p.Ala21Glu). The frequency data for this variant in the population databases is considered unreliable, as metrics indicate poor data quality at this position in the gnomAD database. This variant has not been reported in the literature in individuals affected with CERKL-related conditions. Algorithms developed to predict the effect of missense changes on protein structure and function are either unavailable or do not agree on the potential impact of this missense change (SIFT: "Deleterious"; PolyPhen-2: "Possibly Damaging"; Align-GVGD: "Class C0"). In summary, the available evidence is currently insufficient to determine the role of this variant in disease. Therefore, it has been classified as a Variant of Uncertain Significance.